The following is an entry in ClinVar:

ClinVar aggregate classification (germline): Uncertain significance. Review status: criteria provided, multiple submitters, no conflicts (2 of 4 stars). 3 submissions from 3 submitters: Uncertain significance (3). Last evaluated 2025-11-21.

Conditions:
Hereditary breast ovarian cancer syndrome. Also called: BRCA1- and BRCA2-Associated Hereditary Breast and Ovarian Cancer; Hereditary breast and ovarian cancer syndrome (HBOC); Breast and ovarian cancer; Hereditary breast and ovarian cancer syndrome; Hereditary breast and/or ovarian cancer syndrome; Hereditary breast and ovarian cancer. Identifiers: Orphanet 145, MedGen C0677776, MeSH D061325, MONDO:0003582. Disease mechanism: loss of function.
Hereditary cancer-predisposing syndrome. Also called: Hereditary Cancer Syndrome; Hereditary neoplastic syndrome; Neoplastic Syndromes, Hereditary; Tumor predisposition. Identifiers: Orphanet 140162, MedGen C0027672, MeSH D009386, MONDO:0015356.

Submissions (3):

Ambry Genetics
Classification: Uncertain significance for Hereditary cancer-predisposing syndrome. Last evaluated: 2025-11-21. Review status: criteria provided, single submitter. Criteria: Ambry Variant Classification Scheme 2023. Collection method: clinical testing. Allele origin: germline.
Comment: The p.V939F variant (also known as c.2815G>T), located in coding exon 9 of the BRCA1 gene, results from a G to T substitution at nucleotide position 2815. The valine at codon 939 is replaced by phenylalanine, an amino acid with highly similar properties. This amino acid position is not well conserved in available vertebrate species. In addition, this alteration is predicted to be tolerated by in silico analysis. Based on the available evidence, the clinical significance of this variant remains unclear.

Labcorp Genetics (formerly Invitae), Labcorp
Classification: Uncertain significance for Hereditary breast ovarian cancer syndrome. Last evaluated: 2023-10-04. Review status: criteria provided, single submitter. Criteria: Invitae Variant Classification Sherloc (09022015). Collection method: clinical testing. Allele origin: germline.
Comment: This sequence change replaces valine, which is neutral and non-polar, with phenylalanine, which is neutral and non-polar, at codon 939 of the BRCA1 protein (p.Val939Phe). This variant is not present in population databases (gnomAD no frequency). This variant has not been reported in the literature in individuals affected with BRCA1-related conditions. ClinVar contains an entry for this variant (Variation ID: 2501192). Advanced modeling of protein sequence and biophysical properties (such as structural, functional, and spatial information, amino acid conservation, physicochemical variation, residue mobility, and thermodynamic stability) performed at Invitae indicates that this missense variant is not expected to disrupt BRCA1 protein function. In summary, the available evidence is currently insufficient to determine the role of this variant in disease. Therefore, it has been classified as a Variant of Uncertain Significance.

Women's Health and Genetics/Laboratory Corporation of America, LabCorp
Classification: Uncertain significance. Last evaluated: 2023-03-27. Review status: criteria provided, single submitter. Criteria: LabCorp Variant Classification Summary - May 2015. Collection method: clinical testing. Allele origin: germline.
Comment: Variant summary: BRCA1 c.2815G>T (p.Val939Phe) results in a non-conservative amino acid change in the encoded protein sequence. Three of five in-silico tools predict a damaging effect of the variant on protein function. The variant was absent in 251244 control chromosomes. The available data on variant occurrences in the general population are insufficient to allow any conclusion about variant significance. To our knowledge, no occurrence of c.2815G>T in individuals affected with Hereditary Breast And Ovarian Cancer Syndrome and no experimental evidence demonstrating its impact on protein function have been reported. No submitters have provided clinical-significance assessments for this variant to ClinVar after 2014. Based on the evidence outlined above, the variant was classified as uncertain significance.

NM_007294.4(BRCA1):c.2815G>T (p.Val939Phe)

Gene: BRCA1 (BRCA1 DNA repair associated; minus strand). Cytogenetic location: 17q21.31.
Variant type: single nucleotide variant.
Coding change: c.2815G>T on transcript NM_007294.4 (MANE Select); coding-DNA position 2815, G replaced by T.
Protein change: p.Val939Phe; replaces valine 939 with phenylalanine.
Molecular consequence: missense variant. On other transcripts: intron variant (137).
Genome position (GRCh38, 1-based): chr17:43,092,716, C>A on the plus strand (G>T on the coding strand, the complement: BRCA1 is on the minus strand). VCF-style: chr17-43092716-C-A. GRCh37 (hg19) VCF-style: chr17-41244733-C-A.
Other names: c.2812G>T, p.Val938Phe (NM_001407635.1, NM_001407636.1, NM_001407637.1 and 22 more transcripts); c.665-1684G>T (NM_001408441.1, NM_001408437.1, NM_001408429.1 and 12 more transcripts); c.788-1684G>T (NM_001407979.1, NM_001407977.1, NM_001407982.1 and 17 more transcripts); c.647-1684G>T (NM_001408410.1, NM_001408458.1, NM_001408469.1 and 11 more transcripts); c.710-1684G>T (NM_001408415.1, NM_001408412.1, NM_001408409.1 and 2 more transcripts); c.2815G>T, p.Val939Phe (NM_001407639.1, NM_001407640.1, NM_001407641.1 and 30 more transcripts); c.2806G>T, p.Val936Phe (NM_001407646.1, NM_001407647.1); c.578-1684G>T (NM_001408483.1, NM_001408481.1, NM_001408480.1 and 9 more transcripts); and 41 more; short protein forms V643F, V771F, V811F, V812F, V827F, V828F, V850F, V851F.
Identifiers: ClinVar variation 2501192 (VCV002501192.5), dbSNP rs1555588896, ClinGen allele CA10596361.
Genomic context (GRCh38, chr17:43,092,716, plus strand): 5'-TGAACTGAGATGATAGACAAAACCTAGAGCCTCCTTTGATACTACATTTGGCATTATCAA[C>A]TGGCTTATCTTTCTGACCAACCACAGGAAAGCCTGCAGTGATATTAACTGTCTGTACAGG-3'
Protein context (NP_009225.1, residues 929-949): FPVVGQKDKP[Val939Phe]DNAKCSIKGG